The following is an entry in ClinVar:

ClinVar aggregate classification (germline): Uncertain significance (1 of 4 stars; one submission).

Conditions:
MOGS-congenital disorder of glycosylation. Also called: GLUCOSIDASE I DEFICIENCY; CDG 2B; CDG IIb; MOGS-CDG. Identifiers: Orphanet 79330, MedGen C1853736, MONDO:0011629, OMIM 606056.

Allele frequency attached by ClinVar (database versions not stated): gnomAD exomes below 0.00001 and 0.00001; gnomAD 0.00002; TOPMed 0.00003.
gnomAD v4.1: 8 of 1,614,006 alleles (0.0005%); highest among the groups gnomAD compares: African/African-American, 0.0013%; no homozygotes.

Submission:

Labcorp Genetics (formerly Invitae), Labcorp
Classification: Uncertain significance for MOGS-congenital disorder of glycosylation. Last evaluated: 2024-10-14. Review status: criteria provided, single submitter. Criteria: Invitae Variant Classification Sherloc (09022015). Collection method: clinical testing. Allele origin: germline.
Comment: This sequence change replaces proline, which is neutral and non-polar, with serine, which is neutral and polar, at codon 301 of the MOGS protein (p.Pro301Ser). This variant is present in population databases (no rsID available, gnomAD 0.003%). This variant has not been reported in the literature in individuals affected with MOGS-related conditions. ClinVar contains an entry for this variant (Variation ID: 1440516). Invitae Evidence Modeling of protein sequence and biophysical properties (such as structural, functional, and spatial information, amino acid conservation, physicochemical variation, residue mobility, and thermodynamic stability) indicates that this missense variant is not expected to disrupt MOGS protein function with a negative predictive value of 80%. In summary, the available evidence is currently insufficient to determine the role of this variant in disease. Therefore, it has been classified as a Variant of Uncertain Significance.

NM_006302.3(MOGS):c.901C>T (p.Pro301Ser)

Gene: MOGS (mannosyl-oligosaccharide glucosidase; minus strand). Cytogenetic location: 2p13.1.
Variant type: single nucleotide variant.
Coding change: c.901C>T on transcript NM_006302.3 (MANE Select); coding-DNA position 901, C replaced by T.
Protein change: p.Pro301Ser; replaces proline 301 with serine.
Molecular consequence: missense variant.
Genome position (GRCh38, 1-based): chr2:74,462,888, G>A on the plus strand (C>T on the coding strand, the complement: MOGS is on the minus strand). VCF-style: chr2-74462888-G-A. GRCh37 (hg19) VCF-style: chr2-74690015-G-A.
Other names: c.583C>T, p.Pro195Ser (NM_001146158.2); short protein forms P195S, P301S.
Identifiers: ClinVar variation 1440516 (VCV001440516.4), dbSNP rs1390934890, ClinGen allele CA347378757.